The following is an entry in ClinVar:

NM_006231.4(POLE):c.6124G>A (p.Gly2042Arg)

Gene: POLE (DNA polymerase epsilon, catalytic subunit; minus strand). Cytogenetic location: 12q24.33.
Variant type: single nucleotide variant.
Coding change: c.6124G>A on transcript NM_006231.4 (MANE Select); coding-DNA position 6124, G replaced by A.
Protein change: p.Gly2042Arg; replaces glycine 2042 with arginine.
Molecular consequence: missense variant.
Genome position (GRCh38, 1-based): chr12:132,632,676, C>T on the plus strand (G>A on the coding strand, the complement: POLE is on the minus strand). VCF-style: chr12-132632676-C-T. GRCh37 (hg19) VCF-style: chr12-133209262-C-T.
Other names: short protein forms G2042R.
Identifiers: ClinVar variation 473783 (VCV000473783.51), dbSNP rs147954675, ClinGen allele CA6892274.
Genomic context (GRCh38, chr12:132,632,676, plus strand): 5'-AGGTCACTGGCACATGGCAGTGGCCTCAAAAGACAAAAGACTGCTCACCGGGAAGGGCTC[C>T]GACCGCCCCCTCGGCCTCCTGGGAGAGCTGGCTGGCCCCCCTCCTCCTCACGGGGGTGCT-3'
Protein context (NP_006222.2, residues 2032-2052): QLSQEAEGAV[Gly2042Arg]ALPGMITFSQ

ClinVar aggregate classification (germline): Uncertain significance. Review status: criteria provided, multiple submitters, no conflicts (2 of 4 stars). 7 submissions from 7 submitters: Uncertain significance (7). Last evaluated 2026-02-01.

Conditions:
Hereditary cancer-predisposing syndrome. Also called: Hereditary neoplastic syndrome; Tumor predisposition; Neoplastic Syndromes, Hereditary; Hereditary Cancer Syndrome. Identifiers: Orphanet 140162, MedGen C0027672, MeSH D009386, MONDO:0015356.
Intrauterine growth retardation, metaphyseal dysplasia, adrenal hypoplasia congenita, genital anomalies, and immunodeficiency. Also called: IMAGEI SYNDROME. Identifiers: MedGen C5193036, MONDO:0032684, OMIM 618336.
Colorectal cancer, susceptibility to, 12 (CRCS12). Also called: COLORECTAL CANCER, SUSCEPTIBILITY TO, ON CHROMOSOME 12q24. Identifiers: Orphanet 220460, MedGen C3554460, MONDO:0014038, OMIM 615083.
Facial dysmorphism-immunodeficiency-livedo-short stature syndrome. Also called: FILS syndrome; Facial dysmorphism, immunodeficiency, livedo, and short stature. Identifiers: Orphanet 352712, MedGen C3554576, MONDO:0014058, OMIM 615139.

Allele frequency attached by ClinVar (database versions not stated): TOPMed 0.00002; gnomAD exomes 0.00003; gnomAD 0.00005 and 0.00006; ExAC 0.00007; ESP Exome Variant Server 0.00015; 1000 Genomes Project 30x 0.00047; 1000 Genomes Project 0.00060.
gnomAD v4.1: 51 of 1,614,010 alleles (0.0032%); highest among the groups gnomAD compares: East Asian, 0.018%; no homozygotes.

Submissions (7):

Labcorp Genetics (formerly Invitae), Labcorp
Classification: Uncertain significance. Last evaluated: 2026-02-01. Review status: criteria provided, single submitter. Criteria: Invitae Variant Classification Sherloc (09022015). Collection method: clinical testing. Allele origin: germline.
Comment: This sequence change replaces glycine, which is neutral and non-polar, with arginine, which is basic and polar, at codon 2042 of the POLE protein (p.Gly2042Arg). This variant is present in population databases (rs147954675, gnomAD 0.02%). This variant has not been reported in the literature in individuals affected with POLE-related conditions. ClinVar contains an entry for this variant (Variation ID: 473783). Invitae Evidence Modeling of protein sequence and biophysical properties (such as structural, functional, and spatial information, amino acid conservation, physicochemical variation, residue mobility, and thermodynamic stability) indicates that this missense variant is not expected to disrupt POLE protein function with a negative predictive value of 80%. In summary, the available evidence is currently insufficient to determine the role of this variant in disease. Therefore, it has been classified as a Variant of Uncertain Significance.

GeneDx
Classification: Uncertain significance. Last evaluated: 2025-02-07. Review status: criteria provided, single submitter. Criteria: GeneDx Variant Classification Process June 2021. Collection method: clinical testing. Allele origin: germline. Affected: yes.
Comment: In silico analysis indicates that this missense variant does not alter protein structure/function; Observed in individuals with advanced cancer undergoing multi-gene panel testing (PMID: 28873162); This variant is associated with the following publications: (PMID: 28427513, 27149842, 28873162)

Ambry Genetics
Classification: Uncertain significance for Hereditary cancer-predisposing syndrome. Last evaluated: 2024-12-14. Review status: criteria provided, single submitter. Criteria: Ambry Variant Classification Scheme 2023. Collection method: clinical testing. Allele origin: germline.
Comment: The p.G2042R variant (also known as c.6124G>A), located in coding exon 44 of the POLE gene, results from a G to A substitution at nucleotide position 6124. The glycine at codon 2042 is replaced by arginine, an amino acid with dissimilar properties. This amino acid position is well conserved in available vertebrate species. In addition, this alteration is predicted to be tolerated by in silico analysis. Based on the available evidence, the clinical significance of this variant remains unclear.

Women's Health and Genetics/Laboratory Corporation of America, LabCorp
Classification: Uncertain significance. Last evaluated: 2024-07-05. Review status: criteria provided, single submitter. Criteria: LabCorp Variant Classification Summary - May 2015. Collection method: clinical testing. Allele origin: germline.
Comment: Variant summary: POLE c.6124G>A (p.Gly2042Arg) results in a non-conservative amino acid change in the encoded protein sequence. Three of five in-silico tools predict a benign effect of the variant on protein function. The variant allele was found at a frequency of 3.2e-05 in 250366 control chromosomes. The available data on variant occurrences in the general population are insufficient to allow any conclusion about variant significance. To our knowledge, no occurrence of c.6124G>A in individuals affected with POLE-associated Colorectal Cancer and no experimental evidence demonstrating its impact on protein function have been reported. ClinVar contains an entry for this variant (Variation ID: 473783). Based on the evidence outlined above, the variant was classified as uncertain significance.

Fulgent Genetics
Classification: Uncertain significance for Colorectal cancer, susceptibility to, 12; Facial dysmorphism-immunodeficiency-livedo-short stature syndrome; Intrauterine growth retardation, metaphyseal dysplasia, adrenal hypoplasia congenita, genital anomalies, and immunodeficiency. Last evaluated: 2024-03-20. Review status: criteria provided, single submitter. Criteria: ACMG Guidelines, 2015. Collection method: clinical testing. Allele origin: germline.

CeGaT Center for Human Genetics Tuebingen
Classification: Uncertain significance. Last evaluated: 2021-09-01. Review status: criteria provided, single submitter. Criteria: CeGaT Center For Human Genetics Tuebingen Variant Classification Criteria Version 2. Collection method: clinical testing. Allele origin: germline. Affected: yes. Observed: 1 variant allele.

Quest Diagnostics Nichols Institute San Juan Capistrano
Classification: Uncertain significance. Last evaluated: 2019-01-09. Review status: criteria provided, single submitter. Criteria: Quest Diagnostics criteria. Collection method: clinical testing. Allele origin: germline.

Literature cited by the submitters: PubMed 28427513 (cited by Quest Diagnostics Nichols Institute San Juan Capistrano).